The following is an entry in ClinVar:

ClinVar aggregate classification (germline): Pathogenic/Likely pathogenic. Review status: criteria provided, multiple submitters, no conflicts (2 of 4 stars). 3 submissions from 3 submitters: Pathogenic (1); Likely pathogenic (2). Last evaluated 2026-04-26.

Conditions:
RYR1-related disorder. Also called: RYR1-related condition; RYR1-related disorders. Identifiers: MedGen CN239331.

Allele frequency attached by ClinVar (database versions not stated): gnomAD exomes below 0.00001.
gnomAD v4.1: 1 of 1,612,550 alleles (0.000062%); highest among the groups gnomAD compares: East Asian, 0.0022%; no homozygotes.

Submissions (3):

Dasa
Classification: Likely pathogenic. Last evaluated: 2026-04-26. Review status: criteria provided, single submitter. Criteria: DASA Assertion Criteria. Collection method: clinical testing. Allele origin: germline.
Comment: NM_000540.3(RYR1):c.12580T>C (p.Phe4194Leu) is a missense variant that results in the substitution of phenylalanine with leucine. This variant has been recurrently observed in individuals with RYR1-related disorders (PMID: 24319099; PMID: 30236493). Also, this variant is rare in population databases. Computational evidence supports a deleterious effect. Based on the currently available evidence, this variant is classified as likely pathogenic.

GeneDx
Classification: Likely pathogenic. Last evaluated: 2024-12-03. Review status: criteria provided, single submitter. Criteria: GeneDx Variant Classification Process June 2021. Collection method: clinical testing. Allele origin: germline. Affected: yes.
Comment: Not observed at significant frequency in large population cohorts (gnomAD); In silico analysis supports that this missense variant has a deleterious effect on protein structure/function; This variant is associated with the following publications: (PMID: 33820833, 24319099)

Labcorp Genetics (formerly Invitae), Labcorp
Classification: Pathogenic for RYR1-related disorder. Last evaluated: 2024-07-30. Review status: criteria provided, single submitter. Criteria: Invitae Variant Classification Sherloc (09022015). Collection method: clinical testing. Allele origin: germline.
Comment: This sequence change replaces phenylalanine, which is neutral and non-polar, with leucine, which is neutral and non-polar, at codon 4194 of the RYR1 protein (p.Phe4194Leu). This variant is not present in population databases (gnomAD no frequency). This missense change has been observed in individual(s) with clinical features of autosomal recessive RYR1-related conditions (PMID: 24319099, 30236493). In at least one individual the data is consistent with being in trans (on the opposite chromosome) from a pathogenic variant. ClinVar contains an entry for this variant (Variation ID: 578395). Advanced modeling of protein sequence and biophysical properties (such as structural, functional, and spatial information, amino acid conservation, physicochemical variation, residue mobility, and thermodynamic stability) performed at Invitae indicates that this missense variant is expected to disrupt RYR1 protein function with a positive predictive value of 95%. For these reasons, this variant has been classified as Pathogenic.

Literature cited by the submitters: PubMed 24319099 (cited by Dasa and Labcorp Genetics (formerly Invitae), Labcorp); PubMed 30236493 (cited by Dasa and Labcorp Genetics (formerly Invitae), Labcorp).

NM_000540.3(RYR1):c.12580T>C (p.Phe4194Leu)

Gene: RYR1 (ryanodine receptor 1; plus strand). Cytogenetic location: 19q13.2.
Variant type: single nucleotide variant.
Coding change: c.12580T>C on transcript NM_000540.3 (MANE Select); coding-DNA position 12580, T replaced by C.
Protein change: p.Phe4194Leu; replaces phenylalanine 4194 with leucine.
Molecular consequence: missense variant.
Genome position (GRCh38, 1-based): chr19:38,561,410, T>C. VCF-style: chr19-38561410-T-C. GRCh37 (hg19) VCF-style: chr19-39052050-T-C.
Other names: c.12565T>C, p.Phe4189Leu (NM_001042723.2); short protein forms F4194L, F4189L.
Identifiers: ClinVar variation 578395 (VCV000578395.7), dbSNP rs1568576386, ClinGen allele CA405669761.